The following is an entry in ClinVar:

ClinVar aggregate classification (germline): Benign (1 of 4 stars; one submission).

Allele frequency attached by ClinVar (database versions not stated): TOPMed 0.00615; 1000 Genomes Project 30x 0.00671; 1000 Genomes Project 0.00699; gnomAD 0.00851; ExAC 0.01190.
gnomAD v4.1: 17,033 of 1,550,240 alleles (1.1%); highest among the groups gnomAD compares: South Asian, 1.4%; 99 homozygotes.

Submission:

CeGaT Center for Human Genetics Tuebingen
Classification: Benign. Last evaluated: 2022-12-01. Review status: criteria provided, single submitter. Criteria: CeGaT Center For Human Genetics Tuebingen Variant Classification Criteria Version 2. Collection method: clinical testing. Allele origin: germline. Affected: yes. Observed: 1 variant allele.
Comment: BBS2: BS1, BS2

NM_031885.5(BBS2):c.1528-126G>C

Gene: BBS2 (Bardet-Biedl syndrome 2; minus strand). Cytogenetic location: 16q13.
Variant type: single nucleotide variant.
Coding change: c.1528-126G>C on transcript NM_031885.5 (MANE Select); 126 bases into the intron before coding-DNA position 1528, G replaced by C.
Molecular consequence: intron variant. On other transcripts: non-coding transcript variant (2).
Genome position (GRCh38, 1-based): chr16:56,498,694, C>G on the plus strand (G>C on the coding strand, the complement: BBS2 is on the minus strand). VCF-style: chr16-56498694-C-G. GRCh37 (hg19) VCF-style: chr16-56532606-C-G.
Other names: c.1528-126G>C (NM_001377456.1).
Identifiers: ClinVar variation 2646545 (VCV002646545.24), dbSNP rs118148062, ClinGen allele CA8065699.